The following is an entry in ClinVar:

ClinVar aggregate classification (germline): Uncertain significance. Review status: criteria provided, multiple submitters, no conflicts (2 of 4 stars). 3 submissions from 3 submitters: Uncertain significance (3). Last evaluated 2024-08-12.

Conditions:
Developmental and epileptic encephalopathy, 23 (DEE23). Also called: Epileptic encephalopathy, early infantile, 23. Identifiers: Orphanet 411986, MedGen C4014492, MONDO:0014371, OMIM 615859.

Allele frequency attached by ClinVar (database versions not stated): gnomAD exomes below 0.00001.
gnomAD v4.1: 2 of 1,609,502 alleles (0.00012%); highest among the groups gnomAD compares: South Asian, 0.0011%; no homozygotes.

Submissions (3):

Labcorp Genetics (formerly Invitae), Labcorp
Classification: Uncertain significance for Developmental and epileptic encephalopathy, 23. Last evaluated: 2024-08-12. Review status: criteria provided, single submitter. Criteria: Invitae Variant Classification Sherloc (09022015). Collection method: clinical testing. Allele origin: germline.
Comment: This sequence change replaces aspartic acid, which is acidic and polar, with glutamic acid, which is acidic and polar, at codon 418 of the DOCK7 protein (p.Asp418Glu). This variant is present in population databases (no rsID available, gnomAD no frequency). This variant has not been reported in the literature in individuals affected with DOCK7-related conditions. ClinVar contains an entry for this variant (Variation ID: 859733). An algorithm developed to predict the effect of missense changes on protein structure and function (PolyPhen-2) suggests that this variant is likely to be tolerated. In summary, the available evidence is currently insufficient to determine the role of this variant in disease. Therefore, it has been classified as a Variant of Uncertain Significance.

Genome-Nilou Lab
Classification: Uncertain significance for Developmental and epileptic encephalopathy, 23. Last evaluated: 2023-04-11. Review status: criteria provided, single submitter. Criteria: ACMG Guidelines, 2015. Collection method: clinical testing. Allele origin: germline. Affected: no.

GeneDx
Classification: Uncertain significance. Last evaluated: 2021-04-09. Review status: criteria provided, single submitter. Criteria: GeneDx Variant Classification Process June 2021. Collection method: clinical testing. Allele origin: germline. Affected: yes.
Comment: Not observed at a significant frequency in large population cohorts (Lek et al., 2016); In silico analysis supports that this missense variant has a deleterious effect on protein structure/function; Has not been previously published as pathogenic or benign to our knowledge

NM_001367561.1(DOCK7):c.1254T>A (p.Asp418Glu)

Gene: DOCK7 (dedicator of cytokinesis 7; minus strand). Cytogenetic location: 1p31.3.
Variant type: single nucleotide variant.
Coding change: c.1254T>A on transcript NM_001367561.1 (MANE Select); coding-DNA position 1254, T replaced by A.
Protein change: p.Asp418Glu; replaces aspartic acid 418 with glutamic acid.
Molecular consequence: missense variant.
Genome position (GRCh38, 1-based): chr1:62,631,268, A>T on the plus strand (T>A on the coding strand, the complement: DOCK7 is on the minus strand). VCF-style: chr1-62631268-A-T. GRCh37 (hg19) VCF-style: chr1-63096939-A-T.
Other names: c.1254T>A, p.Asp418Glu (NM_001271999.2, NM_001272000.2, NM_001272001.2 and 3 more transcripts); short protein forms D418E.
Identifiers: ClinVar variation 859733 (VCV000859733.12), dbSNP rs1022211823, ClinGen allele CA340618727.